The following is an entry in ClinVar:

ClinVar aggregate classification (germline): Uncertain significance (1 of 4 stars; one submission).

Submission:

Labcorp Genetics (formerly Invitae), Labcorp
Classification: Uncertain significance. Last evaluated: 2022-03-04. Review status: criteria provided, single submitter. Criteria: Invitae Variant Classification Sherloc (09022015). Collection method: clinical testing. Allele origin: germline.
Comment: In summary, the available evidence is currently insufficient to determine the role of this variant in disease. Therefore, it has been classified as a Variant of Uncertain Significance. This sequence change replaces glycine, which is neutral and non-polar, with arginine, which is basic and polar, at codon 294 of the ZNF513 protein (p.Gly294Arg). This variant is not present in population databases (gnomAD no frequency). This variant has not been reported in the literature in individuals affected with ZNF513-related conditions. Algorithms developed to predict the effect of missense changes on protein structure and function are either unavailable or do not agree on the potential impact of this missense change (SIFT: "Deleterious"; PolyPhen-2: "Benign"; Align-GVGD: "Class C25"). Algorithms developed to predict the effect of sequence changes on RNA splicing suggest that this variant may create or strengthen a splice site.

NM_144631.6(ZNF513):c.880G>C (p.Gly294Arg)

Gene: ZNF513 (zinc finger protein 513; minus strand). Cytogenetic location: 2p23.3.
Variant type: single nucleotide variant.
Coding change: c.880G>C on transcript NM_144631.6 (MANE Select); coding-DNA position 880, G replaced by C.
Protein change: p.Gly294Arg; replaces glycine 294 with arginine.
Molecular consequence: missense variant.
Genome position (GRCh38, 1-based): chr2:27,378,291, C>G on the plus strand (G>C on the coding strand, the complement: ZNF513 is on the minus strand). VCF-style: chr2-27378291-C-G. GRCh37 (hg19) VCF-style: chr2-27601158-C-G.
Other names: c.694G>C, p.Gly232Arg (NM_001201459.2); short protein forms G232R, G294R.
Identifiers: ClinVar variation 2105865 (VCV002105865.4), dbSNP rs755265698, ClinGen allele CA346216929.